The following is an entry in ClinVar:

ClinVar aggregate classification (germline): Pathogenic (0 of 4 stars; one submission).

Submission:

GenMed Metabolism Lab
Classification: Pathogenic. Review status: no assertion criteria provided. Collection method: not provided. Allele origin: unknown.
Comment: p.Thr178_Leu179del, Neonatal
ClinVar note: Converted during submission from pathogenic to Pathogenic.

NM_000531.6(OTC):c.532_537del (p.Thr178_Leu179del)

Gene: OTC (ornithine transcarbamylase; plus strand). Cytogenetic location: Xp11.4.
Variant type: Deletion.
Coding change: c.532_537del on transcript NM_000531.6 (MANE Select); coding-DNA positions 532 to 537, 6 bases deleted (ACGCTC; older notation c.532_537delACGCTC).
Protein change: p.Thr178_Leu179del.
Molecular consequence: inframe deletion.
Genome position (GRCh38, 1-based): chrX:38,401,420-38,401,425, ACGCTC deleted; deleting any 6 consecutive bases within chrX:38,401,417-38,401,425 gives the same sequence; the c. name uses the placement nearest the transcript's 3' end. VCF-style (leftmost placement, unchanged base first): chrX-38401416-CCTCACG-C. GRCh37 (hg19) VCF-style: chrX-38260669-CCTCACG-C.
Identifiers: ClinVar variation 97236 (VCV000097236.2), dbSNP rs72556285, ClinGen allele CA224666.